The following is an entry in ClinVar:

NM_001361.5(DHODH):c.*1171T>C

Gene: DHODH (dihydroorotate dehydrogenase (quinone); plus strand). Cytogenetic location: 16q22.2.
Variant type: single nucleotide variant.
Coding change: c.*1171T>C on transcript NM_001361.5 (MANE Select); 1171 bases downstream of the stop codon, T replaced by C.
Molecular consequence: 3 prime UTR variant.
Genome position (GRCh38, 1-based): chr16:72,025,370, T>C. VCF-style: chr16-72025370-T-C. GRCh37 (hg19) VCF-style: chr16-72059269-T-C.
Identifiers: ClinVar variation 320461 (VCV000320461.5), dbSNP rs2287998, ClinGen allele CA10644214.

ClinVar aggregate classification (germline): Benign (1 of 4 stars; one submission).

Conditions:
Miller syndrome (POADS). Also called: GENEE-WIEDEMANN SYNDROME; Genee-Wiedemann acrofacial dysostosis. Identifiers: Orphanet 246, MedGen C0265257, MONDO:0009903, OMIM 263750.

Allele frequency attached by ClinVar (database versions not stated): 1000 Genomes Project 0.54393; gnomAD 0.55799 and 0.55999; 1000 Genomes Project 30x 0.54154; TOPMed 0.54257; gnomAD exomes 0.66667.
gnomAD v4.1: 85,104 of 152,172 alleles (56%); highest among the groups gnomAD compares: South Asian, 68%; 24,134 homozygotes.

Submission:

Illumina Laboratory Services, Illumina
Classification: Benign for Miller syndrome. Last evaluated: 2018-01-13. Review status: criteria provided, single submitter. Criteria: ICSL Variant Classification Criteria 13 December 2019. Collection method: clinical testing. Allele origin: germline.
Comment: This variant was observed in the ICSL laboratory as part of a predisposition screen in an ostensibly healthy population. It had not been previously curated by ICSL or reported in the Human Gene Mutation Database (HGMD: prior to June 1st, 2018), and was therefore a candidate for classification through an automated scoring system. Utilizing variant allele frequency, disease prevalence and penetrance estimates, and inheritance mode, an automated score was calculated to assess if this variant is too frequent to cause the disease. Based on the score and internal cut-off values, a variant classified as benign is not then subjected to further curation. The score for this variant resulted in a classification of benign for this disease.